The following is an entry in ClinVar:

ClinVar aggregate classification (germline): Uncertain significance. Review status: criteria provided, multiple submitters, no conflicts (2 of 4 stars). 3 submissions from 3 submitters: Uncertain significance (3). Last evaluated 2024-04-16.

Conditions:
Lynch syndrome. Identifiers: Orphanet 144, MedGen C4552100, MONDO:0005835. Disease mechanism: loss of function.
Hereditary nonpolyposis colorectal neoplasms. Identifiers: MedGen C0009405, MeSH D003123.
Hereditary cancer-predisposing syndrome. Also called: Neoplastic Syndromes, Hereditary; Tumor predisposition; Hereditary Cancer Syndrome; Hereditary neoplastic syndrome. Identifiers: Orphanet 140162, MedGen C0027672, MeSH D009386, MONDO:0015356.

Submissions (3):

All of Us Research Program, National Institutes of Health
Classification: Uncertain significance for Lynch syndrome. Last evaluated: 2024-04-16. Review status: criteria provided, single submitter. Criteria: ACMG Guidelines, 2015. Collection method: clinical testing. Allele origin: germline. Inheritance: Autosomal dominant inheritance. Observed: 1 variant allele, 1 heterozygote.
Comment: This missense variant replaces proline with arginine at codon 12 of the MSH6 protein. Computational prediction suggests that this variant may not impact protein structure and function (internally defined REVEL score threshold <= 0.5, PMID: 27666373). Splice site prediction tools suggest that this variant may not impact RNA splicing. To our knowledge, functional studies have not been performed for this variant. This variant has not been reported in individuals affected with hereditary cancer in the literature. This variant has not been identified in the general population by the Genome Aggregation Database (gnomAD). The available evidence is insufficient to determine the role of this variant in disease conclusively. Therefore, this variant is classified as a Variant of Uncertain Significance.

This study involves interpretation of variants in research participants for the purpose of population health screening. Participant phenotype was not available at the time of variant classification. Additional details can be found in publication PMID: 35346344, PMCID: PMC8962531

Color Diagnostics, LLC DBA Color Health
Classification: Uncertain significance for Hereditary cancer-predisposing syndrome. Last evaluated: 2024-03-06. Review status: criteria provided, single submitter. Criteria: ACMG Guidelines, 2015. Collection method: clinical testing. Allele origin: germline.
Comment: This missense variant replaces proline with arginine at codon 12 of the MSH6 protein. Computational prediction suggests that this variant may not impact protein structure and function (internally defined REVEL score threshold <= 0.5, PMID: 27666373). Splice site prediction tools suggest that this variant may not impact RNA splicing. To our knowledge, functional studies have not been performed for this variant. This variant has not been reported in individuals affected with hereditary cancer in the literature. This variant has not been identified in the general population by the Genome Aggregation Database (gnomAD). The available evidence is insufficient to determine the role of this variant in disease conclusively. Therefore, this variant is classified as a Variant of Uncertain Significance.

Labcorp Genetics (formerly Invitae), Labcorp
Classification: Uncertain significance for Hereditary nonpolyposis colorectal neoplasms. Last evaluated: 2022-08-18. Review status: criteria provided, single submitter. Criteria: Invitae Variant Classification Sherloc (09022015). Collection method: clinical testing. Allele origin: germline.
Comment: In summary, the available evidence is currently insufficient to determine the role of this variant in disease. Therefore, it has been classified as a Variant of Uncertain Significance. Advanced modeling of protein sequence and biophysical properties (such as structural, functional, and spatial information, amino acid conservation, physicochemical variation, residue mobility, and thermodynamic stability) performed at Invitae indicates that this missense variant is not expected to disrupt MSH6 protein function. ClinVar contains an entry for this variant (Variation ID: 919074). This variant has not been reported in the literature in individuals affected with MSH6-related conditions. This variant is not present in population databases (gnomAD no frequency). This sequence change replaces proline, which is neutral and non-polar, with arginine, which is basic and polar, at codon 12 of the MSH6 protein (p.Pro12Arg).

NM_000179.3(MSH6):c.35C>G (p.Pro12Arg)

Gene: MSH6 (mutS homolog 6; plus strand). Cytogenetic location: 2p16.3.
Variant type: single nucleotide variant.
Coding change: c.35C>G on transcript NM_000179.3 (MANE Select); coding-DNA position 35, C replaced by G.
Protein change: p.Pro12Arg; replaces proline 12 with arginine.
Molecular consequence: missense variant. On other transcripts: 5 prime UTR variant (1).
Genome position (GRCh38, 1-based): chr2:47,783,268, C>G. VCF-style: chr2-47783268-C-G. GRCh37 (hg19) VCF-style: chr2-48010407-C-G.
Other names: c.35C>G, p.Pro12Arg (NM_001281492.2); c.-702C>G (NM_001281493.2); short protein forms P12R.
Identifiers: ClinVar variation 919074 (VCV000919074.11), dbSNP rs760603184, ClinGen allele CA346734526.